The following is an entry in ClinVar:

ClinVar aggregate classification (germline): Uncertain significance (1 of 4 stars; one submission).

Conditions:
Early Myoclonic Encephalopathy. Identifiers: MedGen C0270855.

Submission:

Labcorp Genetics (formerly Invitae), Labcorp
Classification: Uncertain significance for Early myoclonic encephalopathy. Last evaluated: 2018-04-23. Review status: criteria provided, single submitter. Criteria: Invitae Variant Classification Sherloc (09022015). Collection method: clinical testing. Allele origin: germline.
Comment: This variant results in a copy number gain of the genomic region encompassing the first exon of the KCND2 gene. The 5' end of this event is unknown as it extends beyond the assayed region for this gene and therefore may encompass additional genes. The 3' boundary is likely confined to 5'UTR region of the KCND2 gene. As the precise location of this event is unknown, it may be in tandem or it may be located elsewhere in the genome. This variant has not been reported in the literature in individuals with KCND2-related disease. In summary, the available evidence is currently insufficient to determine the role of this variant in disease. Therefore, it has been classified as a Variant of Uncertain Significance.

NC_000007.13:g.(?_119914667)_(119915821_?)dup

Gene: KCND2 (potassium voltage-gated channel subfamily D member 2; plus strand). Cytogenetic location: 7q31.31.
Variant type: Duplication.
Identifiers: ClinVar variation 583682 (VCV000583682.2).